The following is an entry in ClinVar:

NC_000002.12:g.(?_218339763)_(218345001_?)del

Gene: PNKD (PNKD metallo-beta-lactamase domain containing; plus strand). Cytogenetic location: 2q35.
Variant type: Deletion.
Identifiers: ClinVar variation 830738 (VCV000830738.1).

ClinVar aggregate classification (germline): Uncertain significance (1 of 4 stars; one submission).

Conditions:
Paroxysmal nonkinesigenic dyskinesia. Also called: Paroxysmal non-kinesigenic dyskinesia. Identifiers: Orphanet 98810, MedGen C1869117, MONDO:0700088.

Submission:

Labcorp Genetics (formerly Invitae), Labcorp
Classification: Uncertain significance for Paroxysmal non-kinesigenic dyskinesia. Last evaluated: 2019-02-03. Review status: criteria provided, single submitter. Criteria: Invitae Variant Classification Sherloc (09022015). Collection method: clinical testing. Allele origin: germline.
Comment: This variant is a gross deletion of the genomic region encompassing exons 3-10 of the PNKD gene. The 5' boundary is likely confined to intron 2. The 3' end of this event is unknown as it extends through the termination codon beyond the assayed region for this gene and may encompass additional genes. While this deletion is not anticipated to result in nonsense mediated decay, it is expected to create a truncated protein product or disrupt mRNA translation. This variant has not been reported in the literature in individuals with PNKD-related conditions. In summary, the available evidence is currently insufficient to determine the role of this variant in disease. Therefore, it has been classified as a Variant of Uncertain Significance.